The following is an entry in ClinVar:

NM_000219.6(KCNE1):c.345A>T (p.Ile115=)

Gene: KCNE1 (potassium voltage-gated channel subfamily E regulatory subunit 1; minus strand). Cytogenetic location: 21q22.12.
Variant type: single nucleotide variant.
Coding change: c.345A>T on transcript NM_000219.6 (MANE Select); coding-DNA position 345, A replaced by T.
Protein change: p.Ile115=; no amino-acid change (isoleucine 115 retained).
Molecular consequence: synonymous variant.
Genome position (GRCh38, 1-based): chr21:34,449,290, T>A on the plus strand (A>T on the coding strand, the complement: KCNE1 is on the minus strand). VCF-style: chr21-34449290-T-A. GRCh37 (hg19) VCF-style: chr21-35821588-T-A.
Other names: c.345A>T, p.Ile115= (NM_001127668.4, NM_001127669.4, NM_001127670.4 and 4 more transcripts).
Identifiers: ClinVar variation 3373781 (VCV003373781.2).

Conditions:
Long QT syndrome 5 (LQT5). Identifiers: Orphanet 101016, Orphanet 768, MedGen C1867904, MONDO:0013372, OMIM 613695.

Submission:

Roden Lab, Vanderbilt University Medical Center
No classification provided (evidence only). Condition: Long QT syndrome 5. Review status: no classification provided. Collection method: in vitro. Allele origin: not applicable. Functional consequence: Effect on ion channel function.
ClinVar note: "not provided" was previously submitted as the classification for the variant. However, the classification appeared to be based only on an observation of functional data so it was converted to no classification on 2025-07-30.